The following is an entry in ClinVar:

NM_003500.4(ACOX2):c.1175G>A (p.Gly392Asp)

Gene: ACOX2 (acyl-CoA oxidase 2; minus strand). Cytogenetic location: 3p14.3.
Variant type: single nucleotide variant.
Coding change: c.1175G>A on transcript NM_003500.4 (MANE Select); coding-DNA position 1175, G replaced by A.
Protein change: p.Gly392Asp; replaces glycine 392 with aspartic acid.
Molecular consequence: missense variant.
Genome position (GRCh38, 1-based): chr3:58,526,637, C>T on the plus strand (G>A on the coding strand, the complement: ACOX2 is on the minus strand). VCF-style: chr3-58526637-C-T. GRCh37 (hg19) VCF-style: chr3-58512364-C-T.
Other names: short protein forms G392D.
Identifiers: ClinVar variation 3683255 (VCV003683255.2).

ClinVar aggregate classification (germline): Uncertain significance (1 of 4 stars; one submission).

gnomAD v4.1: 8 of 1,613,884 alleles (0.0005%); highest among the groups gnomAD compares: African/African-American, 0.004%; no homozygotes.

Submission:

Labcorp Genetics (formerly Invitae), Labcorp
Classification: Uncertain significance. Last evaluated: 2024-11-27. Review status: criteria provided, single submitter. Criteria: Invitae Variant Classification Sherloc (09022015). Collection method: clinical testing. Allele origin: germline.
Comment: This sequence change replaces glycine, which is neutral and non-polar, with aspartic acid, which is acidic and polar, at codon 392 of the ACOX2 protein (p.Gly392Asp). This variant is present in population databases (no rsID available, gnomAD 0.01%). This variant has not been reported in the literature in individuals affected with ACOX2-related conditions. Invitae Evidence Modeling of protein sequence and biophysical properties (such as structural, functional, and spatial information, amino acid conservation, physicochemical variation, residue mobility, and thermodynamic stability) indicates that this missense variant is expected to disrupt ACOX2 protein function with a positive predictive value of 80%. In summary, the available evidence is currently insufficient to determine the role of this variant in disease. Therefore, it has been classified as a Variant of Uncertain Significance.